The following is an entry in ClinVar:

NM_002519.3(NPAT):c.2213T>C (p.Val738Ala)

Gene: NPAT (nuclear protein, coactivator of histone transcription; minus strand). Cytogenetic location: 11q22.3.
Variant type: single nucleotide variant.
Coding change: c.2213T>C on transcript NM_002519.3 (MANE Select); coding-DNA position 2213, T replaced by C.
Protein change: p.Val738Ala; replaces valine 738 with alanine.
Molecular consequence: missense variant.
Genome position (GRCh38, 1-based): chr11:108,172,771, A>G on the plus strand (T>C on the coding strand, the complement: NPAT is on the minus strand). VCF-style: chr11-108172771-A-G. GRCh37 (hg19) VCF-style: chr11-108043498-A-G.
Other names: c.2213T>C, p.Val738Ala (NM_001321307.1); short protein forms V738A.
Identifiers: ClinVar variation 3222516 (VCV003222516.2), dbSNP rs2496718177, ClinGen allele CA382513446.
Genomic context (GRCh38, chr11:108,172,771, plus strand): 5'-CTGGTAAGTTCAGTATCTGAGGAAACAAATGGATCATCACTAATGATAACTTTGAGAGAG[A>G]CGATATTTGATGCATCTATCTCTGCTGAGTTGTTGCTAGAAGGTTTATCATCAGTATTTT-3'
Protein context (NP_002510.2, residues 728-748): NSAEIDASNI[Val738Ala]SLKVIISDDP

ClinVar aggregate classification (germline): Uncertain significance. Review status: criteria provided, multiple submitters, no conflicts (2 of 4 stars). 2 submissions from 2 submitters: Uncertain significance (2). Last evaluated 2025-08-14.

Submissions (2):

Labcorp Genetics (formerly Invitae), Labcorp
Classification: Uncertain significance. Last evaluated: 2025-08-14. Review status: criteria provided, single submitter. Criteria: Invitae Variant Classification Sherloc (09022015). Collection method: clinical testing. Allele origin: germline.
Comment: This sequence change replaces valine, which is neutral and non-polar, with alanine, which is neutral and non-polar, at codon 738 of the NPAT protein (p.Val738Ala). This variant is not present in population databases (gnomAD no frequency). This variant has not been reported in the literature in individuals affected with NPAT-related conditions. ClinVar contains an entry for this variant (Variation ID: 3222516). An algorithm developed to predict the effect of missense changes on protein structure and function (PolyPhen-2) suggests that this variant is likely to be disruptive. In summary, the available evidence is currently insufficient to determine the role of this variant in disease. Therefore, it has been classified as a Variant of Uncertain Significance.

Ambry Genetics
Classification: Uncertain significance. Last evaluated: 2024-01-19. Review status: criteria provided, single submitter. Criteria: Ambry Variant Classification Scheme 2023. Collection method: clinical testing. Allele origin: germline.
Comment: The p.V738A variant (also known as c.2213T>C), located in coding exon 13 of the NPAT gene, results from a T to C substitution at nucleotide position 2213. The valine at codon 738 is replaced by alanine, an amino acid with similar properties. This amino acid position is conserved. In addition, the in silico prediction for this alteration is inconclusive. Based on the available evidence, the clinical significance of this alteration remains unclear.